The following is an entry in ClinVar:

NM_007194.4(CHEK2):c.1376-19T>C

Gene: CHEK2 (checkpoint kinase 2; minus strand). Cytogenetic location: 22q12.1.
Variant type: single nucleotide variant.
Coding change: c.1376-19T>C on transcript NM_007194.4 (MANE Select); 19 bases into the intron before coding-DNA position 1376, T replaced by C.
Molecular consequence: intron variant.
Genome position (GRCh38, 1-based): chr22:28,694,136, A>G on the plus strand (T>C on the coding strand, the complement: CHEK2 is on the minus strand). VCF-style: chr22-28694136-A-G. GRCh37 (hg19) VCF-style: chr22-29090124-A-G.
Other names: c.713-19T>C (NM_001437942.1, NM_001257387.3); c.1175-19T>C (NM_001349956.3); c.1289-19T>C (NM_145862.3); c.1382-19T>C (NM_001438295.1); c.1469-19T>C (NM_001438293.1); c.1418-19T>C (NM_001438294.1); c.1505-19T>C (NM_001005735.3).
Identifiers: ClinVar variation 1552005 (VCV001552005.10), dbSNP rs2052474956, ClinGen allele CA2400237551.
Genomic context (GRCh38, chr22:28,694,136, plus strand): 5'-CCTTTGGATCCACTACCAACAACTTCTTGACAAGGTCCAGAGCTAAAGCAACAATTGGGC[A>G]AATCACAGTGAAAAGGATAAATATATTATCAGTAAGAGTATGCCAGAATTAACAGGCCAC-3'

ClinVar aggregate classification (germline): Likely benign. Review status: criteria provided, multiple submitters, no conflicts (2 of 4 stars). 2 submissions from 2 submitters: Likely benign (2). Last evaluated 2025-03-25.

Conditions:
Familial cancer of breast. Also called: BREAST CANCER, FAMILIAL; hereditary breast carcinoma; Hereditary breast cancer. Identifiers: Orphanet 227535, MedGen C0346153, MONDO:0016419, OMIM 114480. Disease mechanism: loss of function.

Allele frequency attached by ClinVar (database versions not stated): TOPMed 0.00001.

Submissions (2):

Labcorp Genetics (formerly Invitae), Labcorp
Classification: Likely benign for Familial cancer of breast. Last evaluated: 2025-03-25. Review status: criteria provided, single submitter. Criteria: Invitae Variant Classification Sherloc (09022015). Collection method: clinical testing. Allele origin: germline.

Myriad Genetics, Inc.
Classification: Likely benign for Familial cancer of breast. Last evaluated: 2024-10-08. Review status: criteria provided, single submitter. Criteria: Myriad Autosomal Dominant, Autosomal Recessive and X-Linked Classification Criteria (2023). Collection method: clinical testing. Allele origin: unknown.
Comment: This variant is considered likely benign. This variant is intronic and is not expected to impact mRNA splicing.